The following is an entry in ClinVar:

NM_000038.6(APC):c.3612A>C (p.Gln1204His)

Gene: APC (APC regulator of Wnt signaling pathway; plus strand). Cytogenetic location: 5q22.2.
Variant type: single nucleotide variant.
Coding change: c.3612A>C on transcript NM_000038.6 (MANE Select); coding-DNA position 3612, A replaced by C.
Protein change: p.Gln1204His; replaces glutamine 1204 with histidine.
Molecular consequence: missense variant. On other transcripts: non-coding transcript variant (2).
Genome position (GRCh38, 1-based): chr5:112,839,206, A>C. VCF-style: chr5-112839206-A-C. GRCh37 (hg19) VCF-style: chr5-112174903-A-C.
Other names: c.3612A>C, p.Gln1204His (NM_001127510.3, NM_001354895.2, NM_001407450.1); c.3558A>C, p.Gln1186His (NM_001127511.3); c.3666A>C, p.Gln1222His (NM_001354896.2, NM_001407447.1, NM_001407448.1 and 1 more transcripts); c.3642A>C, p.Gln1214His (NM_001354897.2); c.3537A>C, p.Gln1179His (NM_001354898.2); c.3528A>C, p.Gln1176His (NM_001354899.2); c.3489A>C, p.Gln1163His (NM_001354900.2); c.3435A>C, p.Gln1145His (NM_001354901.2, NM_001407453.1); and 11 more; short protein forms Q1044H, Q1075H, Q1121H, Q1179H, Q1197H, Q1222H, Q1232H, Q1103H.
Identifiers: ClinVar variation 3304237 (VCV003304237.1).

ClinVar aggregate classification (germline): Uncertain significance (1 of 4 stars; one submission).

Conditions:
Hereditary cancer-predisposing syndrome. Also called: Tumor predisposition; Hereditary Cancer Syndrome; Hereditary neoplastic syndrome; Neoplastic Syndromes, Hereditary. Identifiers: Orphanet 140162, MedGen C0027672, MeSH D009386, MONDO:0015356.

Submission:

Ambry Genetics
Classification: Uncertain significance for Hereditary cancer-predisposing syndrome. Last evaluated: 2024-03-22. Review status: criteria provided, single submitter. Criteria: Ambry Variant Classification Scheme 2023. Collection method: clinical testing. Allele origin: germline.
Comment: The p.Q1204H variant (also known as c.3612A>C), located in coding exon 15 of the APC gene, results from an A to C substitution at nucleotide position 3612. The glutamine at codon 1204 is replaced by histidine, an amino acid with highly similar properties. This amino acid position is conserved. In addition, in silico predictors for this gene do not accurately predict pathogenicity. Based on the available evidence, the clinical significance of this alteration remains unclear.